The following is an entry in ClinVar:

ClinVar aggregate classification (germline): Uncertain significance (1 of 4 stars; one submission).

Submission:

Labcorp Genetics (formerly Invitae), Labcorp
Classification: Uncertain significance. Last evaluated: 2025-04-16. Review status: criteria provided, single submitter. Criteria: Invitae Variant Classification Sherloc (09022015). Collection method: clinical testing. Allele origin: germline.
Comment: This sequence change replaces glutamine, which is neutral and polar, with arginine, which is basic and polar, at codon 470 of the POLR1A protein (p.Gln470Arg). This variant is not present in population databases (gnomAD no frequency). This variant has not been reported in the literature in individuals affected with POLR1A-related conditions. ClinVar contains an entry for this variant (Variation ID: 3638864). Invitae Evidence Modeling of protein sequence and biophysical properties (such as structural, functional, and spatial information, amino acid conservation, physicochemical variation, residue mobility, and thermodynamic stability) indicates that this missense variant is expected to disrupt POLR1A protein function with a positive predictive value of 80%. In summary, the available evidence is currently insufficient to determine the role of this variant in disease. Therefore, it has been classified as a Variant of Uncertain Significance.

NM_015425.6(POLR1A):c.1409A>G (p.Gln470Arg)

Gene: POLR1A (RNA polymerase I subunit A; minus strand). Cytogenetic location: 2p11.2.
Variant type: single nucleotide variant.
Coding change: c.1409A>G on transcript NM_015425.6 (MANE Select); coding-DNA position 1409, A replaced by G.
Protein change: p.Gln470Arg; replaces glutamine 470 with arginine.
Molecular consequence: missense variant.
Genome position (GRCh38, 1-based): chr2:86,075,232, T>C on the plus strand (A>G on the coding strand, the complement: POLR1A is on the minus strand). VCF-style: chr2-86075232-T-C. GRCh37 (hg19) VCF-style: chr2-86302355-T-C.
Other names: short protein forms Q470R.
Identifiers: ClinVar variation 3638864 (VCV003638864.2).